The following is an entry in ClinVar:

NM_007294.4(BRCA1):c.3717del (p.Gln1240fs)

Genes: BRCA1 (BRCA1 DNA repair associated; minus strand), LOC126862571 (BRD4-independent group 4 enhancer GRCh37_chr17:41243136-41244335; plus strand). Cytogenetic location: 17q21.31.
Variant type: Deletion.
Coding change: c.3717del on transcript NM_007294.4 (MANE Select); coding-DNA position 3717, one base deleted (T; older notation c.3717delT).
Protein change: p.Gln1240fs; shifts the reading frame from glutamine 1240.
Molecular consequence: frameshift variant. On other transcripts: intron variant (135).
Genome position (GRCh38, 1-based): chr17:43,091,814, A deleted on the plus strand (T on the coding strand, the reverse complement: BRCA1 is on the minus strand). VCF-style (leftmost placement, unchanged base first): chr17-43091813-GA-G. GRCh37 (hg19) VCF-style: chr17-41243830-GA-G.
Other names: c.3333del, p.Gln1112fs (NM_001407962.1); c.3336del, p.Gln1113fs (NM_001407963.1, NM_001407959.1, NM_001407960.1); c.3573del, p.Gln1192fs (NM_001407964.1, NM_001407740.1, NM_001407741.1 and 20 more transcripts); c.3213del, p.Gln1072fs (NM_001407965.1); c.2829del, p.Gln944fs (NM_001407966.1, NM_001407967.1); c.1113del, p.Gln372fs (NM_001407968.1, NM_001407969.1); c.3576del, p.Gln1193fs (NM_007297.4, NM_001407692.1, NM_001407694.1 and 29 more transcripts); c.3717del, p.Gln1240fs (NM_007300.4, NM_001407581.1, NM_001407582.1 and 30 more transcripts); and 41 more; short protein forms Q1072fs, Q1112fs, Q1113fs, Q1128fs, Q1129fs, Q1151fs, Q1152fs, Q1169fs.
Identifiers: ClinVar variation 2573560 (VCV002573560.1), dbSNP rs2552139389, ClinGen allele CA2580612625.
Genomic context (GRCh38, chr17:43,091,813, plus strand): 5'-AATTCTCCTCTGTGTTCTTAGACAGACACTCGGTAGCAACGGTGCTATGCCTAGTAGACT[GA>G]GAAGGTATATTGTTTACTTTACCAAATAACAAGTGTTGGAAGCAGGGAAGCTCTTCATCC-3'

ClinVar aggregate classification (germline): Pathogenic (1 of 4 stars; one submission).

Conditions:
Hereditary breast ovarian cancer syndrome. Also called: Breast and ovarian cancer; Hereditary breast and ovarian cancer; Hereditary breast and ovarian cancer syndrome (HBOC); Hereditary breast and/or ovarian cancer syndrome; Hereditary breast and ovarian cancer syndrome; BRCA1- and BRCA2-Associated Hereditary Breast and Ovarian Cancer. Identifiers: Orphanet 145, MedGen C0677776, MeSH D061325, MONDO:0003582. Disease mechanism: loss of function.

Submission:

Women's Health and Genetics/Laboratory Corporation of America, LabCorp
Classification: Pathogenic for Hereditary breast ovarian cancer syndrome. Last evaluated: 2023-06-30. Review status: criteria provided, single submitter. Criteria: LabCorp Variant Classification Summary - May 2015. Collection method: clinical testing. Allele origin: germline.
Comment: Variant summary: BRCA1 c.3717delT (p.Gln1240SerfsX24) results in a premature termination codon, predicted to cause a truncation of the encoded protein or absence of the protein due to nonsense mediated decay, which are commonly known mechanisms for disease. The variant was absent in 251288 control chromosomes. To our knowledge, no occurrence of c.3717delT in individuals affected with Hereditary Breast And Ovarian Cancer Syndrome and no experimental evidence demonstrating its impact on protein function have been reported. No submitters have cited clinical-significance assessments for this variant to ClinVar after 2014. Based on the evidence outlined above, the variant was classified as pathogenic.